The following is an entry in ClinVar:

ClinVar aggregate classification (germline): Pathogenic (1 of 4 stars; one submission).

Conditions:
Jeune thoracic dystrophy. Also called: Jeune syndrome; Infantile thoracic dystrophy; Thoracic pelvic phalangeal dystrophy; Jeune's syndrome; Chondroectodermal dysplasia-like syndrome; Short-rib thoracic dysplasia. Identifiers: Orphanet 474, MedGen C0265275, MONDO:0018770.

Allele frequency attached by ClinVar (database versions not stated): gnomAD 0.00001; ExAC 0.00001.
gnomAD v4.1: 2 of 1,602,484 alleles (0.00012%); highest among the groups gnomAD compares: East Asian, 0.0023%; no homozygotes.

Submission:

Labcorp Genetics (formerly Invitae), Labcorp
Classification: Pathogenic for Jeune thoracic dystrophy. Last evaluated: 2021-10-09. Review status: criteria provided, single submitter. Criteria: Invitae Variant Classification Sherloc (09022015). Collection method: clinical testing. Allele origin: germline.
Comment: This sequence change creates a premature translational stop signal (p.Gln1026*) in the DYNC2H1 gene. It is expected to result in an absent or disrupted protein product. Loss-of-function variants in DYNC2H1 are known to be pathogenic (PMID: 23339108, 32753734). For these reasons, this variant has been classified as Pathogenic. This variant has not been reported in the literature in individuals affected with DYNC2H1-related conditions. This variant is present in population databases (rs765224364, ExAC 0.01%).

Literature cited by the submitters: PubMed 23339108; PubMed 32753734.

NM_001377.3(DYNC2H1):c.3076C>T (p.Gln1026Ter)

Gene: DYNC2H1 (dynein cytoplasmic 2 heavy chain 1; plus strand). Cytogenetic location: 11q22.3.
Variant type: single nucleotide variant.
Coding change: c.3076C>T on transcript NM_001377.3 (MANE Select); coding-DNA position 3076, C replaced by T.
Protein change: p.Gln1026Ter; replaces glutamine 1026 with a stop codon.
Molecular consequence: nonsense.
Genome position (GRCh38, 1-based): chr11:103,152,265, C>T. VCF-style: chr11-103152265-C-T. GRCh37 (hg19) VCF-style: chr11-103022994-C-T.
Other names: c.3076C>T, p.Gln1026Ter (NM_001080463.2); short protein forms Q1026*.
Identifiers: ClinVar variation 1429195 (VCV001429195.7), dbSNP rs765224364, ClinGen allele CA6253250.